The following is an entry in ClinVar:

ClinVar aggregate classification (germline): Uncertain significance. Review status: criteria provided, single submitter (1 of 4 stars). 2 submissions from 2 submitters: Uncertain significance (1). 1 of the submissions does not count toward it. Last evaluated 2019-06-19.

Conditions:
Familial cardiomyopathy. Identifiers: MedGen C0264789, MONDO:0005217.
Cardiomyopathy (CMYO). Also called: Cardiomyopathies. Identifiers: Orphanet 167848, MedGen C0878544, MONDO:0004994, HP:0001638. Inheritance: Various modes of inheritance.

Submissions (2):

Color Diagnostics, LLC DBA Color Health
Classification: Uncertain significance for Cardiomyopathy. Last evaluated: 2019-06-19. Review status: criteria provided, single submitter. Criteria: ACMG Guidelines, 2015. Collection method: clinical testing. Allele origin: germline.
Comment: This missense variant replaces histidine with arginine at codon 651 of the MYH7 protein. Computational prediction tools and conservation analyses suggest that this variant may have deleterious impact on the protein function. Computational splicing tools suggest that this variant may not impact RNA splicing. To our knowledge, functional assays have not been performed for this variant nor has this variant been reported in individuals affected with cardiovascular disorders in the literature. This variant has not been identified in the general population by the Genome Aggregation Database (gnomAD). Available evidence is insufficient to determine the role of this variant in disease conclusively. Therefore, this variant is classified as a Variant of Uncertain Significance.

Evolutionary and Medical Genetics Laboratory,  Centre for Cellular and Molecular Biology
Classification: Pathogenic. Review status: no assertion criteria provided. Collection method: not provided. Allele origin: unknown. Not counted in ClinVar's aggregate classification.
Comment: Missense mutation/Non-synonymous
ClinVar note: Converted during submission from pathogenic to Pathogenic.

NM_000257.4(MYH7):c.1952A>G (p.His651Arg)

Gene: MYH7 (myosin heavy chain 7; minus strand). Cytogenetic location: 14q11.2.
Variant type: single nucleotide variant.
Coding change: c.1952A>G on transcript NM_000257.4 (MANE Select); coding-DNA position 1952, A replaced by G.
Protein change: p.His651Arg; replaces histidine 651 with arginine.
Molecular consequence: missense variant.
Genome position (GRCh38, 1-based): chr14:23,427,244, T>C on the plus strand (A>G on the coding strand, the complement: MYH7 is on the minus strand). VCF-style: chr14-23427244-T-C. GRCh37 (hg19) VCF-style: chr14-23896453-T-C.
Other names: short protein forms H651R.
Identifiers: ClinVar variation 132921 (VCV000132921.5), dbSNP rs606231328, ClinGen allele CA011489.